The following is an entry in ClinVar:

NM_001130438.3(SPTAN1):c.6494T>C (p.Phe2165Ser)

Gene: SPTAN1 (spectrin alpha, non-erythrocytic 1; plus strand). Cytogenetic location: 9q34.11.
Variant type: single nucleotide variant.
Coding change: c.6494T>C on transcript NM_001130438.3 (MANE Select); coding-DNA position 6494, T replaced by C.
Protein change: p.Phe2165Ser; replaces phenylalanine 2165 with serine.
Molecular consequence: missense variant.
Genome position (GRCh38, 1-based): chr9:128,626,605, T>C. VCF-style: chr9-128626605-T-C. GRCh37 (hg19) VCF-style: chr9-131388884-T-C.
Other names: c.6419T>C, p.Phe2140Ser (NM_001195532.2); c.6494T>C, p.Phe2165Ser (NM_001363759.2); c.6434T>C, p.Phe2145Ser (NM_001363765.2); c.6479T>C, p.Phe2160Ser (NM_003127.4); short protein forms F2160S, F2145S, F2165S, F2140S.
Identifiers: ClinVar variation 644023 (VCV000644023.3), dbSNP rs1589389281, ClinGen allele CA375089368.

ClinVar aggregate classification (germline): Conflicting classifications of pathogenicity. Review status: criteria provided, conflicting classifications (1 of 4 stars). 2 submissions from 2 submitters: Uncertain significance (1); Likely benign (1). Last evaluated 2024-09-20.

Conditions:
Neuronopathy, distal hereditary motor, autosomal dominant 11. Also called: NEUROPATHY, DISTAL HEREDITARY MOTOR, 11. Identifiers: MedGen C5882697, MONDO:0957875, OMIM 620528.
Spastic paraplegia 91, autosomal dominant, with or without cerebellar ataxia (SPG91). Identifiers: MedGen C5882701, MONDO:0957813, OMIM 620538.
Developmental and epileptic encephalopathy, 5 (DEE5). Identifiers: Orphanet 3451, MedGen C3150731, MONDO:0013277, OMIM 613477.
Developmental delay with or without epilepsy (DEVEP). Identifiers: MedGen C5882702, MONDO:0957815, OMIM 620540.
Developmental and epileptic encephalopathy. Identifiers: MedGen C5779964, MONDO:0100620.

Submissions (2):

3billion
Classification: Likely benign for Developmental and epileptic encephalopathy, 5; Developmental delay with or without epilepsy; Neuronopathy, distal hereditary motor, autosomal dominant 11; Spastic paraplegia 91, autosomal dominant, with or without cerebellar ataxia. Last evaluated: 2024-09-20. Review status: criteria provided, single submitter. Criteria: ACMG Guidelines, 2015. Collection method: clinical testing. Allele origin: germline. Affected: no.
Comment: The variant was identified in at least one patient who was diagnosed with a different variant in another gene and showed no symptoms related to the gene containing the variant in question.

Labcorp Genetics (formerly Invitae), Labcorp
Classification: Uncertain significance for Early infantile epileptic encephalopathy with suppression bursts. Last evaluated: 2018-12-28. Review status: criteria provided, single submitter. Criteria: Invitae Variant Classification Sherloc (09022015). Collection method: clinical testing. Allele origin: germline.
Comment: This sequence change replaces phenylalanine with serine at codon 2165 of the SPTAN1 protein (p.Phe2165Ser). The phenylalanine residue is highly conserved and there is a large physicochemical difference between phenylalanine and serine. This variant is not present in population databases (ExAC no frequency). This variant has not been reported in the literature in individuals with SPTAN1-related conditions. Algorithms developed to predict the effect of missense changes on protein structure and function (SIFT, PolyPhen-2, Align-GVGD) all suggest that this variant is likely to be disruptive, but these predictions have not been confirmed by published functional studies and their clinical significance is uncertain. In summary, the available evidence is currently insufficient to determine the role of this variant in disease. Therefore, it has been classified as a Variant of Uncertain Significance.